The following is an entry in ClinVar:

NM_206933.4(USH2A):c.1704C>T (p.Tyr568=)

Gene: USH2A (usherin; minus strand). Cytogenetic location: 1q41.
Variant type: single nucleotide variant.
Coding change: c.1704C>T on transcript NM_206933.4 (MANE Select); coding-DNA position 1704, C replaced by T.
Protein change: p.Tyr568=; no amino-acid change (tyrosine 568 retained).
Molecular consequence: synonymous variant.
Genome position (GRCh38, 1-based): chr1:216,292,311, G>A on the plus strand (C>T on the coding strand, the complement: USH2A is on the minus strand). VCF-style: chr1-216292311-G-A. GRCh37 (hg19) VCF-style: chr1-216465653-G-A.
Other names: c.1704C>T, p.Tyr568= (NM_007123.6); c.1704C>T (NM_206933.2).
Identifiers: ClinVar variation 876381 (VCV000876381.16), dbSNP rs766038321, ClinGen allele CA1396421.
Genomic context (GRCh38, chr1:216,292,311, plus strand): 5'-GATGTTGTAATGGCAGCTTTTGGAATGGCTGTTGCATTGACAAGGTTTACAATTGAAAGC[G>A]TAAACTTGATCACCTTGGCGGAAAGGCTTGTCATTATAAAGAGGCAAGCAGCGATCACAC-3'
Protein context (NP_996816.3, residues 558-578): DKPFRQGDQV[Tyr568=]AFNCKPCQCN

ClinVar aggregate classification (germline): Conflicting classifications of pathogenicity. Review status: criteria provided, conflicting classifications (1 of 4 stars). 7 submissions from 5 submitters: Uncertain significance (4); Likely benign (3). Last evaluated 2026-06-22.

Conditions:
Usher syndrome type 2A. Also called: RETINAL DISEASE IN USHER SYNDROME TYPE IIA, MODIFIER OF; USHER SYNDROME, TYPE IIA. Identifiers: Orphanet 231178, Orphanet 886, MedGen C1848634, MONDO:0010169, OMIM 276901.
Retinitis pigmentosa 39 (RP39). Identifiers: Orphanet 791, MedGen C3151138, MONDO:0013436, OMIM 613809.
USH2A-related disorder. Also called: USH2A-related disorders; USH2A-related condition. Identifiers: MedGen CN239332.
Retinitis pigmentosa (RP). Identifiers: Orphanet 791, MedGen C0035334, MeSH D012174, MONDO:0019200, OMIM 268000. Inheritance: Autosomal dominant, autosomal recessive and X linked inheritance.

Allele frequency attached by ClinVar (database versions not stated): gnomAD 0.00004 and 0.00005; TOPMed 0.00004; ExAC 0.00006; gnomAD exomes 0.00006 and 0.00008.
gnomAD v4.1: 99 of 1,613,914 alleles (0.0061%); highest among the groups gnomAD compares: South Asian, 0.052%; 1 homozygote.

Submissions (7):

PreventionGenetics, part of Exact Sciences
Classification: Likely benign for USH2A-related condition. Last evaluated: 2026-06-22. Review status: criteria provided, single submitter. Criteria: ACMG Guidelines, 2015. Collection method: clinical testing. Allele origin: germline.
Comment: This variant is classified as likely benign based on ACMG/AMP sequence variant interpretation guidelines (Richards et al. 2015 PMID: 25741868, with internal and published modifications).

Labcorp Genetics (formerly Invitae), Labcorp
Classification: Likely benign. Last evaluated: 2026-01-24. Review status: criteria provided, single submitter. Criteria: Invitae Variant Classification Sherloc (09022015). Collection method: clinical testing. Allele origin: germline.

Blueprint Genetics
Classification: Likely benign. Last evaluated: 2024-09-14. Review status: criteria provided, single submitter. Criteria: ACMG Guidelines, 2015. Collection method: clinical testing. Allele origin: germline.

Genome-Nilou Lab
Classification: Uncertain significance for Usher syndrome type 2A. Last evaluated: 2021-07-22. Review status: criteria provided, single submitter. Criteria: ACMG Guidelines, 2015. Collection method: clinical testing. Allele origin: germline. Affected: no.

Genome-Nilou Lab
Classification: Uncertain significance for Retinitis pigmentosa 39. Last evaluated: 2021-07-22. Review status: criteria provided, single submitter. Criteria: ACMG Guidelines, 2015. Collection method: clinical testing. Allele origin: germline. Affected: no.

Illumina Laboratory Services, Illumina
Classification: Uncertain significance for Retinitis pigmentosa. Last evaluated: 2018-03-23. Review status: criteria provided, single submitter. Criteria: ICSL Variant Classification Criteria 13 December 2019. Collection method: clinical testing. Allele origin: germline.

Illumina Laboratory Services, Illumina
Classification: Uncertain significance for Usher syndrome type 2A. Last evaluated: 2018-03-23. Review status: criteria provided, single submitter. Criteria: ICSL Variant Classification Criteria 13 December 2019. Collection method: clinical testing. Allele origin: germline.